The following is an entry in ClinVar:

NM_000346.4(SOX9):c.1386del (p.Tyr463fs)

Gene: SOX9 (SRY-box transcription factor 9; plus strand). Cytogenetic location: 17q24.3.
Variant type: Deletion.
Coding change: c.1386del on transcript NM_000346.4 (MANE Select); coding-DNA position 1386, one base deleted (C; older notation c.1386delC).
Protein change: p.Tyr463fs; shifts the reading frame from tyrosine 463.
Molecular consequence: frameshift variant.
Genome position (GRCh38, 1-based): chr17:72,124,243, C deleted. VCF-style (leftmost placement, unchanged base first): chr17-72124242-TC-T. GRCh37 (hg19) VCF-style: chr17-70120383-TC-T.
Other names: short protein forms Y463fs.
Identifiers: ClinVar variation 4851798 (VCV004851798.1).

ClinVar aggregate classification (germline): Likely pathogenic (1 of 4 stars; one submission).

Submission:

Dasa
Classification: Likely pathogenic. Last evaluated: 2025-03-10. Review status: criteria provided, single submitter. Criteria: DASA Assertion Criteria. Collection method: clinical testing. Allele origin: germline.
Comment: NM_000346.4(SOX9):c.1386del (p.Tyr463Thrfs*7) introduces a premature termination codon predicted to result in loss of normal protein function. Loss-of-function is an established mechanism of disease for this gene. The variant is present at low frequency in population datasets. Based on the available data, this variant is classified as likely pathogenic.